The following is an entry in ClinVar:

NM_004304.5(ALK):c.3067G>C (p.Val1023Leu)

Gene: ALK (ALK receptor tyrosine kinase; minus strand). Cytogenetic location: 2p23.2.
Variant type: single nucleotide variant.
Coding change: c.3067G>C on transcript NM_004304.5 (MANE Select); coding-DNA position 3067, G replaced by C.
Protein change: p.Val1023Leu; replaces valine 1023 with leucine.
Molecular consequence: missense variant.
Genome position (GRCh38, 1-based): chr2:29,226,922, C>G on the plus strand (G>C on the coding strand, the complement: ALK is on the minus strand). VCF-style: chr2-29226922-C-G. GRCh37 (hg19) VCF-style: chr2-29449788-C-G.
Other names: short protein forms V1023L.
Identifiers: ClinVar variation 2024309 (VCV002024309.4), dbSNP rs756986057, ClinGen allele CA346467527.

ClinVar aggregate classification (germline): Uncertain significance (1 of 4 stars; one submission).

Conditions:
Neuroblastoma, susceptibility to, 3. Also called: ALK-Related Neuroblastic Tumor Susceptibility. Identifiers: Orphanet 635, MedGen C2751681, MONDO:0013083, OMIM 613014.

Submission:

Labcorp Genetics (formerly Invitae), Labcorp
Classification: Uncertain significance for Neuroblastoma, susceptibility to, 3. Last evaluated: 2022-08-16. Review status: criteria provided, single submitter. Criteria: Invitae Variant Classification Sherloc (09022015). Collection method: clinical testing. Allele origin: germline.
Comment: This sequence change replaces valine, which is neutral and non-polar, with leucine, which is neutral and non-polar, at codon 1023 of the ALK protein (p.Val1023Leu). This variant also falls at the last nucleotide of exon 18, which is part of the consensus splice site for this exon. In summary, the available evidence is currently insufficient to determine the role of this variant in disease. Therefore, it has been classified as a Variant of Uncertain Significance. Variants that disrupt the consensus splice site are a relatively common cause of aberrant splicing (PMID: 17576681, 9536098). Algorithms developed to predict the effect of sequence changes on RNA splicing suggest that this variant may disrupt the consensus splice site. Algorithms developed to predict the effect of missense changes on protein structure and function (SIFT, PolyPhen-2, Align-GVGD) all suggest that this variant is likely to be tolerated. This variant has not been reported in the literature in individuals affected with ALK-related conditions. This variant is not present in population databases (gnomAD no frequency).

Literature cited by the submitters: PubMed 17576681; PubMed 9536098.